The following is an entry in ClinVar:

NM_000051.4(ATM):c.7154A>G (p.Lys2385Arg)

Genes: C11orf65 (chromosome 11 open reading frame 65; minus strand), ATM (ATM serine/threonine kinase; plus strand). Cytogenetic location: 11q22.3.
Variant type: single nucleotide variant.
Coding change: c.7154A>G on transcript NM_000051.4 (MANE Select); coding-DNA position 7154, A replaced by G.
Protein change: p.Lys2385Arg; replaces lysine 2385 with arginine.
Molecular consequence: missense variant. On other transcripts: intron variant (2).
Genome position (GRCh38, 1-based): chr11:108,329,085, A>G. VCF-style: chr11-108329085-A-G. GRCh37 (hg19) VCF-style: chr11-108199812-A-G.
Other names: c.7154A>G, p.Lys2385Arg (NM_001351834.2); c.641-20014T>C (NM_001330368.2); c.*38+6135T>C (NM_001351110.2); short protein forms K2385R.
Identifiers: ClinVar variation 1757408 (VCV001757408.2), dbSNP rs2136414083, ClinGen allele CA382559522.

ClinVar aggregate classification (germline): Uncertain significance (1 of 4 stars; one submission).

Conditions:
Hereditary cancer-predisposing syndrome. Also called: Hereditary neoplastic syndrome; Neoplastic Syndromes, Hereditary; Tumor predisposition; Hereditary Cancer Syndrome. Identifiers: Orphanet 140162, MedGen C0027672, MeSH D009386, MONDO:0015356.

Submission:

Ambry Genetics
Classification: Uncertain significance for Hereditary cancer-predisposing syndrome. Last evaluated: 2022-09-26. Review status: criteria provided, single submitter. Criteria: Ambry Variant Classification Scheme 2023. Collection method: clinical testing. Allele origin: germline.
Comment: The p.K2385R variant (also known as c.7154A>G), located in coding exon 48 of the ATM gene, results from an A to G substitution at nucleotide position 7154. The lysine at codon 2385 is replaced by arginine, an amino acid with highly similar properties. This amino acid position is conserved. In addition, this alteration is predicted to be tolerated by in silico analysis. Since supporting evidence is limited at this time, the clinical significance of this alteration remains unclear.